The following is an entry in ClinVar:

ClinVar aggregate classification (germline): Benign/Likely benign. Review status: criteria provided, multiple submitters, no conflicts (2 of 4 stars). 3 submissions from 3 submitters: Benign (2); Likely benign (1). Last evaluated 2025-12-02.

Conditions:
Rienhoff syndrome. Also called: LOEYS-DIETZ SYNDROME 5. Identifiers: MedGen C3810012, MONDO:0014262, OMIM 615582.
Familial thoracic aortic aneurysm and aortic dissection (TAAD). Also called: Thoracic aortic aneurysms and dissections. Identifiers: Orphanet 91387, MedGen C4707243, MONDO:0019625.

Allele frequency attached by ClinVar (database versions not stated): gnomAD below 0.00001 and 0.00005; TOPMed 0.00001; gnomAD exomes 0.00008 and 0.00021; 1000 Genomes Project 30x 0.00016; 1000 Genomes Project 0.00020; ExAC 0.00022.
gnomAD v4.1: 135 of 1,614,138 alleles (0.0084%); highest among the groups gnomAD compares: South Asian, 0.14%; 1 homozygote.

Submissions (3):

Labcorp Genetics (formerly Invitae), Labcorp
Classification: Benign for Rienhoff syndrome. Last evaluated: 2025-12-02. Review status: criteria provided, single submitter. Criteria: Invitae Variant Classification Sherloc (09022015). Collection method: clinical testing. Allele origin: germline.

Ambry Genetics
Classification: Benign for Familial thoracic aortic aneurysm and aortic dissection. Last evaluated: 2022-03-10. Review status: criteria provided, single submitter. Criteria: Ambry Variant Classification Scheme 2023. Collection method: clinical testing. Allele origin: germline.

GeneDx
Classification: Likely benign. Last evaluated: 2017-08-21. Review status: criteria provided, single submitter. Criteria: GeneDx Variant Classification (06012015). Collection method: clinical testing. Allele origin: germline. Affected: yes.
Comment: This variant is considered likely benign or benign based on one or more of the following criteria: it is a conservative change, it occurs at a poorly conserved position in the protein, it is predicted to be benign by multiple in silico algorithms, and/or has population frequency not consistent with disease.

NM_003239.5(TGFB3):c.921C>T (p.Cys307=)

Gene: TGFB3 (transforming growth factor beta 3; minus strand). Cytogenetic location: 14q24.3.
Variant type: single nucleotide variant.
Coding change: c.921C>T on transcript NM_003239.5 (MANE Select); coding-DNA position 921, C replaced by T.
Protein change: p.Cys307=; no amino-acid change (cysteine 307 retained).
Molecular consequence: synonymous variant.
Genome position (GRCh38, 1-based): chr14:75,963,321, G>A on the plus strand (C>T on the coding strand, the complement: TGFB3 is on the minus strand). VCF-style: chr14-75963321-G-A. GRCh37 (hg19) VCF-style: chr14-76429664-G-A.
Other names: c.921C>T, p.Cys307= (NM_001329938.2, NM_001329939.2).
Identifiers: ClinVar variation 511561 (VCV000511561.12), dbSNP rs575379914, ClinGen allele CA7280310.
Genomic context (GRCh38, chr14:75,963,321, plus strand): 5'-CCATTGGGCAGTAGGCAGGCAGTAGATGTTGGTTCCCATGTGGGCCCAGTCTCACCGGAA[G>A]CAGTAATTGGTGTCCAAAGCCCGCTTCTTCCTCTGACCCCCCTGGCCCGGGTTGTCGAGC-3'
Protein context (NP_003230.1, residues 297-317): RKKRALDTNY[Cys307=]FRNLEENCCV